The following is an entry in ClinVar:

ClinVar aggregate classification (germline): Uncertain significance. Review status: criteria provided, multiple submitters, no conflicts (2 of 4 stars). 2 submissions from 2 submitters: Uncertain significance (2). Last evaluated 2024-09-24.

Conditions:
Hyperkalemic periodic paralysis. Also called: Familial hyperkalemic periodic paralysis; Gamstorp disease. Identifiers: Orphanet 682, MedGen C0238357, MONDO:0008224, OMIM 170500, HP:0007215.
Inborn genetic diseases. Identifiers: MedGen C0950123, MeSH D030342.

gnomAD v4.1: 5 of 1,613,902 alleles (0.00031%); highest among the groups gnomAD compares: Admixed American, 0.0083%; no homozygotes.

Submissions (2):

Labcorp Genetics (formerly Invitae), Labcorp
Classification: Uncertain significance for Hyperkalemic periodic paralysis. Last evaluated: 2024-09-24. Review status: criteria provided, single submitter. Criteria: Invitae Variant Classification Sherloc (09022015). Collection method: clinical testing. Allele origin: germline.
Comment: This sequence change replaces tyrosine, which is neutral and polar, with asparagine, which is neutral and polar, at codon 295 of the SCN4A protein (p.Tyr295Asn). This variant is not present in population databases (gnomAD no frequency). This variant has not been reported in the literature in individuals affected with SCN4A-related conditions. Invitae Evidence Modeling of protein sequence and biophysical properties (such as structural, functional, and spatial information, amino acid conservation, physicochemical variation, residue mobility, and thermodynamic stability) has been performed for this missense variant. However, the output from this modeling did not meet the statistical confidence thresholds required to predict the impact of this variant on SCN4A protein function. In summary, the available evidence is currently insufficient to determine the role of this variant in disease. Therefore, it has been classified as a Variant of Uncertain Significance.

Ambry Genetics
Classification: Uncertain significance for Inborn genetic diseases. Last evaluated: 2024-04-01. Review status: criteria provided, single submitter. Criteria: Ambry Variant Classification Scheme 2023. Collection method: clinical testing. Allele origin: germline.

NM_000334.4(SCN4A):c.883T>A (p.Tyr295Asn)

Gene: SCN4A (sodium voltage-gated channel alpha subunit 4; minus strand). Cytogenetic location: 17q23.3.
Variant type: single nucleotide variant.
Coding change: c.883T>A on transcript NM_000334.4 (MANE Select); coding-DNA position 883, T replaced by A.
Protein change: p.Tyr295Asn; replaces tyrosine 295 with asparagine.
Molecular consequence: missense variant.
Genome position (GRCh38, 1-based): chr17:63,968,176, A>T on the plus strand (T>A on the coding strand, the complement: SCN4A is on the minus strand). VCF-style: chr17-63968176-A-T. GRCh37 (hg19) VCF-style: chr17-62045536-A-T.
Other names: short protein forms Y295N.
Identifiers: ClinVar variation 3316575 (VCV003316575.3).